The following is an entry in ClinVar:

NM_001127222.2(CACNA1A):c.1676T>C (p.Ile559Thr)

Gene: CACNA1A (calcium voltage-gated channel subunit alpha1 A; minus strand). Cytogenetic location: 19p13.13.
Variant type: single nucleotide variant.
Coding change: c.1676T>C on transcript NM_001127222.2 (MANE Select); coding-DNA position 1676, T replaced by C.
Protein change: p.Ile559Thr; replaces isoleucine 559 with threonine.
Molecular consequence: missense variant.
Genome position (GRCh38, 1-based): chr19:13,308,521, A>G on the plus strand (T>C on the coding strand, the complement: CACNA1A is on the minus strand). VCF-style: chr19-13308521-A-G. GRCh37 (hg19) VCF-style: chr19-13419335-A-G.
Other names: c.1679T>C, p.Ile560Thr (NM_000068.4, NM_001127221.2, NM_001174080.2 and 1 more transcripts); short protein forms I559T, I560T.
Identifiers: ClinVar variation 947334 (VCV000947334.12), dbSNP rs767207007, ClinGen allele CA9240753.

ClinVar aggregate classification (germline): Conflicting classifications of pathogenicity. Review status: criteria provided, conflicting classifications (1 of 4 stars). 3 submissions from 3 submitters: Uncertain significance (2); Likely benign (1). Last evaluated 2025-02-12.

Conditions:
Developmental and epileptic encephalopathy, 42 (DEE42A). Also called: DEVELOPMENTAL AND EPILEPTIC ENCEPHALOPATHY 42A; EPILEPTIC ENCEPHALOPATHY, EARLY INFANTILE, 42A; Epileptic encephalopathy, early infantile, 42. Identifiers: MedGen C4310716, MONDO:0014917, OMIM 617106.
Episodic ataxia type 2 (EA2). Also called: ATAXIA, EPISODIC, WITH NYSTAGMUS; ATAXIA, FAMILIAL PAROXYSMAL; CEREBELLAR ATAXIA, PAROXYSMAL, ACETAZOLAMIDE-RESPONSIVE; ACETAZOLAMIDE-RESPONSIVE HEREDITARY PAROXYSMAL CEREBELLAR ATAXIA; CEREBELLOPATHY, HEREDITARY PAROXYSMAL; EPISODIC ATAXIA, NYSTAGMUS-ASSOCIATED. Identifiers: Orphanet 97, MedGen C1720416, MONDO:0007163, OMIM 108500.

Allele frequency attached by ClinVar (database versions not stated): gnomAD exomes 0.00001; ExAC 0.00001; TOPMed 0.00001.
gnomAD v4.1: 8 of 1,605,366 alleles (0.0005%); highest among the groups gnomAD compares: African/African-American, 0.0013%; no homozygotes.

Submissions (3):

Labcorp Genetics (formerly Invitae), Labcorp
Classification: Likely benign for Developmental and epileptic encephalopathy, 42; Episodic ataxia type 2. Last evaluated: 2025-02-12. Review status: criteria provided, single submitter. Criteria: Invitae Variant Classification Sherloc (09022015). Collection method: clinical testing. Allele origin: germline.

Revvity Omics, Revvity
Classification: Uncertain significance. Last evaluated: 2024-10-24. Review status: criteria provided, single submitter. Criteria: ACMG Guidelines, 2015. Collection method: clinical testing. Allele origin: germline.

GeneDx
Classification: Uncertain significance. Last evaluated: 2024-07-02. Review status: criteria provided, single submitter. Criteria: GeneDx Variant Classification Process June 2021. Collection method: clinical testing. Allele origin: germline. Affected: yes.
Comment: In silico analysis supports that this missense variant has a deleterious effect on protein structure/function; Has not been previously published as pathogenic or benign to our knowledge